The following is an entry in ClinVar:

ClinVar aggregate classification (germline): Uncertain significance (1 of 4 stars; one submission).

Conditions:
Inborn genetic diseases. Identifiers: MedGen C0950123, MeSH D030342.

gnomAD v4.1: 2 of 1,613,882 alleles (0.00012%); highest among the groups gnomAD compares: Non-Finnish European, 0.00017%; no homozygotes.

Submission:

Ambry Genetics
Classification: Uncertain significance for Inborn genetic diseases. Last evaluated: 2024-08-10. Review status: criteria provided, single submitter. Criteria: Ambry Variant Classification Scheme 2023. Collection method: clinical testing. Allele origin: germline.
Comment: The p.P528L variant (also known as c.1583C>T), located in coding exon 7 of the ATR gene, results from a C to T substitution at nucleotide position 1583. The proline at codon 528 is replaced by leucine, an amino acid with similar properties. This amino acid position is conserved. In addition, this alteration is predicted to be tolerated by in silico analysis. Based on the available evidence, the clinical significance of this variant remains unclear.

NM_001184.4(ATR):c.1583C>T (p.Pro528Leu)

Gene: ATR (ATR serine/threonine kinase; minus strand). Cytogenetic location: 3q23.
Variant type: single nucleotide variant.
Coding change: c.1583C>T on transcript NM_001184.4 (MANE Select); coding-DNA position 1583, C replaced by T.
Protein change: p.Pro528Leu; replaces proline 528 with leucine.
Molecular consequence: missense variant.
Genome position (GRCh38, 1-based): chr3:142,559,400, G>A on the plus strand (C>T on the coding strand, the complement: ATR is on the minus strand). VCF-style: chr3-142559400-G-A. GRCh37 (hg19) VCF-style: chr3-142278242-G-A.
Other names: c.1391C>T, p.Pro464Leu (NM_001354579.2); short protein forms P464L, P528L.
Identifiers: ClinVar variation 3461416 (VCV003461416.1).